The following is an entry in ClinVar:

ClinVar aggregate classification (germline): Uncertain significance (1 of 4 stars; one submission).

Conditions:
Fanconi anemia complementation group E (FANCE). Also called: FANCE-Related Fanconi Anemia. Identifiers: Orphanet 84, MedGen C3160739, MONDO:0010953, OMIM 600901.

Submission:

Labcorp Genetics (formerly Invitae), Labcorp
Classification: Uncertain significance for Fanconi anemia complementation group E. Last evaluated: 2023-04-11. Review status: criteria provided, single submitter. Criteria: Invitae Variant Classification Sherloc (09022015). Collection method: clinical testing. Allele origin: germline.
Comment: This variant is not present in population databases (gnomAD no frequency). This variant, c.75_98del, results in the deletion of 8 amino acid(s) of the FANCE protein (p.Ala26_Leu33del), but otherwise preserves the integrity of the reading frame. This variant has not been reported in the literature in individuals affected with FANCE-related conditions. Experimental studies and prediction algorithms are not available or were not evaluated, and the functional significance of this variant is currently unknown. In summary, the available evidence is currently insufficient to determine the role of this variant in disease. Therefore, it has been classified as a Variant of Uncertain Significance.

NM_021922.3(FANCE):c.75_98del (p.Ala26_Leu33del)

Genes: FANCE (FA complementation group E; plus strand), LOC129996245 (ATAC-STARR-seq lymphoblastoid silent region 17092; plus strand). Cytogenetic location: 6p21.31.
Variant type: Deletion.
Coding change: c.75_98del on transcript NM_021922.3 (MANE Select); coding-DNA positions 75 to 98, 24 bases deleted (CGCCCGCCTCCTGCTGCAGGCGCT).
Protein change: p.Ala26_Leu33del.
Molecular consequence: inframe deletion.
Genome position (GRCh38, 1-based): chr6:35,452,620-35,452,643, CGCCCGCCTCCTGCTGCAGGCGCT deleted. VCF-style (leftmost placement, unchanged base first): chr6-35452619-CCGCCCGCCTCCTGCTGCAGGCGCT-C. GRCh37 (hg19) VCF-style: chr6-35420396-CCGCCCGCCTCCTGCTGCAGGCGCT-C.
Other names: c.75_98del, p.Ala26_Leu33del (NM_001410876.1).
Identifiers: ClinVar variation 2843595 (VCV002843595.3), dbSNP rs2533646234, ClinGen allele CA2739272984.